The following is an entry in ClinVar:

ClinVar aggregate classification (germline): Uncertain significance. Review status: criteria provided, multiple submitters, no conflicts (2 of 4 stars). 5 submissions from 5 submitters: Uncertain significance (5). Last evaluated 2026-04-10.

Conditions:
Classic or attenuated familial adenomatous polyposis. Identifiers: MedGen CN372698, MONDO:0021057.
Familial adenomatous polyposis 1 (FAP1). Also called: FAMILIAL ADENOMATOUS POLYPOSIS 1, ATTENUATED; POLYPOSIS, ADENOMATOUS INTESTINAL. Identifiers: MedGen C2713442, MONDO:0021056, OMIM 175100. Disease mechanism: loss of function.
Hereditary cancer-predisposing syndrome. Also called: Tumor predisposition; Hereditary Cancer Syndrome; Neoplastic Syndromes, Hereditary; Hereditary neoplastic syndrome. Identifiers: Orphanet 140162, MedGen C0027672, MeSH D009386, MONDO:0015356.

Allele frequency attached by ClinVar (database versions not stated): gnomAD 0.00002; gnomAD exomes below 0.00001; TOPMed 0.00002.
gnomAD v4.1: 7 of 1,613,830 alleles (0.00043%); highest among the groups gnomAD compares: African/African-American, 0.004%; no homozygotes.

Submissions (5):

Ambry Genetics
Classification: Uncertain significance for Hereditary cancer-predisposing syndrome. Last evaluated: 2026-04-10. Review status: criteria provided, single submitter. Criteria: Ambry Variant Classification Scheme 2023. Collection method: clinical testing. Allele origin: germline.
Comment: The p.T2422I variant (also known as c.7265C>T), located in coding exon 15 of the APC gene, results from a C to T substitution at nucleotide position 7265. The threonine at codon 2422 is replaced by isoleucine, an amino acid with similar properties. This amino acid position is well conserved in available vertebrate species. In addition, in silico predictors for this gene do not accurately predict pathogenicity. Missense alterations in APC are not a common cause of disease (Spier I et al. Genet Med. 2024 Feb;26(2):100992). Based on the available evidence, the clinical significance of this variant remains unclear.

Labcorp Genetics (formerly Invitae), Labcorp
Classification: Uncertain significance for Familial adenomatous polyposis 1. Last evaluated: 2025-09-12. Review status: criteria provided, single submitter. Criteria: Invitae Variant Classification Sherloc (09022015). Collection method: clinical testing. Allele origin: germline.
Comment: This sequence change replaces threonine, which is neutral and polar, with isoleucine, which is neutral and non-polar, at codon 2422 of the APC protein (p.Thr2422Ile). This variant is present in population databases (no rsID available, gnomAD 0.007%). This variant has not been reported in the literature in individuals affected with APC-related conditions. ClinVar contains an entry for this variant (Variation ID: 580941). Invitae Evidence Modeling of protein sequence and biophysical properties (such as structural, functional, and spatial information, amino acid conservation, physicochemical variation, residue mobility, and thermodynamic stability) indicates that this missense variant is not expected to disrupt APC protein function with a negative predictive value of 95%. In summary, the available evidence is currently insufficient to determine the role of this variant in disease. Therefore, it has been classified as a Variant of Uncertain Significance.

All of Us Research Program, National Institutes of Health
Classification: Uncertain significance for Classic or attenuated familial adenomatous polyposis. Last evaluated: 2024-06-11. Review status: criteria provided, single submitter. Criteria: ACMG Guidelines, 2015. Collection method: clinical testing. Allele origin: germline. Inheritance: Autosomal dominant inheritance. Observed: 3 variant alleles, 3 heterozygotes.
Comment: This missense variant replaces threonine with isoleucine at codon 2422 of the APC protein. Computational prediction suggests that this variant may not impact protein structure and function (internally defined REVEL score threshold <= 0.5, PMID: 27666373). To our knowledge, functional studies have not been reported for this variant. This variant has not been reported in individuals affected with APC-related disorders in the literature. This variant has been identified in 1/250254 chromosomes in the general population by the Genome Aggregation Database (gnomAD). The available evidence is insufficient to determine the role of this variant in disease conclusively. Therefore, this variant is classified as a Variant of Uncertain Significance.

This study involves interpretation of variants in research participants for the purpose of population health screening. Participant phenotype was not available at the time of variant classification. Additional details can be found in publication PMID: 35346344, PMCID: PMC8962531

Baylor Genetics
Classification: Uncertain significance for Familial adenomatous polyposis 1. Last evaluated: 2024-03-01. Review status: criteria provided, single submitter. Criteria: ACMG Guidelines, 2015. Collection method: clinical testing. Allele origin: unknown.

Quest Diagnostics Nichols Institute San Juan Capistrano
Classification: Uncertain significance. Last evaluated: 2020-02-21. Review status: criteria provided, single submitter. Criteria: Quest Diagnostics criteria. Collection method: clinical testing. Allele origin: unknown.

NM_000038.6(APC):c.7265C>T (p.Thr2422Ile)

Gene: APC (APC regulator of Wnt signaling pathway; plus strand). Cytogenetic location: 5q22.2.
Variant type: single nucleotide variant.
Coding change: c.7265C>T on transcript NM_000038.6 (MANE Select); coding-DNA position 7265, C replaced by T.
Protein change: p.Thr2422Ile; replaces threonine 2422 with isoleucine.
Molecular consequence: missense variant.
Genome position (GRCh38, 1-based): chr5:112,842,859, C>T. VCF-style: chr5-112842859-C-T. GRCh37 (hg19) VCF-style: chr5-112178556-C-T.
Other names: c.7265C>T, p.Thr2422Ile (NM_001127510.3, NM_001354895.2); c.7211C>T, p.Thr2404Ile (NM_001127511.3); c.7319C>T, p.Thr2440Ile (NM_001354896.2); c.7295C>T, p.Thr2432Ile (NM_001354897.2); c.7190C>T, p.Thr2397Ile (NM_001354898.2); c.7181C>T, p.Thr2394Ile (NM_001354899.2); c.7142C>T, p.Thr2381Ile (NM_001354900.2); c.7088C>T, p.Thr2363Ile (NM_001354901.2); and 5 more; short protein forms T2422I, T2404I, T2262I, T2397I, T2363I, T2381I, T2440I, T2139I.
Identifiers: ClinVar variation 580941 (VCV000580941.16), dbSNP rs1377799096, ClinGen allele CA16037152.